The following is an entry in ClinVar:

NM_005359.6(SMAD4):c.251T>G (p.Val84Gly)

Gene: SMAD4 (SMAD family member 4; plus strand). Cytogenetic location: 18q21.2.
Variant type: single nucleotide variant.
Coding change: c.251T>G on transcript NM_005359.6 (MANE Select); coding-DNA position 251, T replaced by G.
Protein change: p.Val84Gly; replaces valine 84 with glycine.
Molecular consequence: missense variant. On other transcripts: non-coding transcript variant (2).
Genome position (GRCh38, 1-based): chr18:51,048,687, T>G. VCF-style: chr18-51048687-T-G. GRCh37 (hg19) VCF-style: chr18-48575057-T-G.
Other names: c.251T>G, p.Val84Gly (NM_001407041.1, NM_001407042.1, NM_001407043.1); short protein forms V84G.
Identifiers: ClinVar variation 5029720 (VCV005029720.1).

ClinVar aggregate classification (germline): Uncertain significance (1 of 4 stars; one submission).

Conditions:
Familial thoracic aortic aneurysm and aortic dissection (TAAD). Also called: Thoracic aortic aneurysms and dissections. Identifiers: Orphanet 91387, MedGen C4707243, MONDO:0019625.
Hereditary cancer-predisposing syndrome. Also called: Neoplastic Syndromes, Hereditary; Tumor predisposition; Hereditary neoplastic syndrome; Hereditary Cancer Syndrome. Identifiers: Orphanet 140162, MedGen C0027672, MeSH D009386, MONDO:0015356.

Submission:

Ambry Genetics
Classification: Uncertain significance for Hereditary cancer-predisposing syndrome; Familial thoracic aortic aneurysm and aortic dissection. Last evaluated: 2026-07-30. Review status: criteria provided, single submitter. Criteria: Ambry Variant Classification Scheme 2023. Collection method: clinical testing. Allele origin: germline.
Comment: The p.V84G variant (also known as c.251T>G), located in coding exon 2 of the SMAD4 gene, results from a T to G substitution at nucleotide position 251. The valine at codon 84 is replaced by glycine, an amino acid with dissimilar properties. This amino acid position is highly conserved in available vertebrate species. In addition, this alteration is predicted to be deleterious by in silico analysis. Based on the available evidence, the clinical significance of this variant remains unclear.